The following is an entry in ClinVar:

NM_005045.4(RELN):c.3707C>G (p.Pro1236Arg)

Gene: RELN (reelin; minus strand). Cytogenetic location: 7q22.1.
Variant type: single nucleotide variant.
Coding change: c.3707C>G on transcript NM_005045.4 (MANE Select); coding-DNA position 3707, C replaced by G.
Protein change: p.Pro1236Arg; replaces proline 1236 with arginine.
Molecular consequence: missense variant.
Genome position (GRCh38, 1-based): chr7:103,594,325, G>C on the plus strand (C>G on the coding strand, the complement: RELN is on the minus strand). VCF-style: chr7-103594325-G-C. GRCh37 (hg19) VCF-style: chr7-103234772-G-C.
Other names: c.3707C>G, p.Pro1236Arg (NM_173054.3); short protein forms P1236R.
Identifiers: ClinVar variation 3749277 (VCV003749277.2).
Genomic context (GRCh38, chr7:103,594,325, plus strand): 5'-ATGCCATTCACTTTTATAATTATCTGTCTTCTTGGAGTTCAGACATAGGAGAATACCTGA[G>C]GTAAAGTTGGATTGATAACTGGGATGATCTGCTTCTGCTTCTCGGACAGAATGATGATGT-3'
Protein context (NP_005036.2, residues 1226-1246): QIIPVINPTL[Pro1236Arg]QNFYEKPAFD

ClinVar aggregate classification (germline): Uncertain significance (1 of 4 stars; one submission).

Conditions:
Norman-Roberts syndrome (LIS2). Also called: Lissencephaly 2 (Norman-Roberts type). Identifiers: Orphanet 89844, MedGen C0796089, MONDO:0009760, OMIM 257320.
Familial temporal lobe epilepsy 7. Identifiers: Orphanet 101046, MedGen C4225327, MONDO:0014639, OMIM 616436.

Submission:

Labcorp Genetics (formerly Invitae), Labcorp
Classification: Uncertain significance for Familial temporal lobe epilepsy 7; Norman-Roberts syndrome. Last evaluated: 2024-09-08. Review status: criteria provided, single submitter. Criteria: Invitae Variant Classification Sherloc (09022015). Collection method: clinical testing. Allele origin: germline.
Comment: This sequence change replaces proline, which is neutral and non-polar, with arginine, which is basic and polar, at codon 1236 of the RELN protein (p.Pro1236Arg). This variant is not present in population databases (gnomAD no frequency). This variant has not been reported in the literature in individuals affected with RELN-related conditions. Invitae Evidence Modeling of protein sequence and biophysical properties (such as structural, functional, and spatial information, amino acid conservation, physicochemical variation, residue mobility, and thermodynamic stability) indicates that this missense variant is not expected to disrupt RELN protein function with a negative predictive value of 80%. In summary, the available evidence is currently insufficient to determine the role of this variant in disease. Therefore, it has been classified as a Variant of Uncertain Significance.